The following is an entry in ClinVar:

NM_001854.4(COL11A1):c.4136C>T (p.Ala1379Val)

Gene: COL11A1 (collagen type XI alpha 1 chain; minus strand). Cytogenetic location: 1p21.1.
Variant type: single nucleotide variant.
Coding change: c.4136C>T on transcript NM_001854.4 (MANE Select); coding-DNA position 4136, C replaced by T.
Protein change: p.Ala1379Val; replaces alanine 1379 with valine.
Molecular consequence: missense variant. On other transcripts: non-coding transcript variant (1).
Genome position (GRCh38, 1-based): chr1:102,898,945, G>A on the plus strand (C>T on the coding strand, the complement: COL11A1 is on the minus strand). VCF-style: chr1-102898945-G-A. GRCh37 (hg19) VCF-style: chr1-103364501-G-A.
Other names: c.4019C>T, p.Ala1340Val (NM_001190709.2); c.4172C>T, p.Ala1391Val (NM_080629.3); c.3788C>T, p.Ala1263Val (NM_080630.4); short protein forms A1263V, A1340V, A1379V, A1391V.
Identifiers: ClinVar variation 1312130 (VCV001312130.3), dbSNP rs764897552, ClinGen allele CA341155628.

ClinVar aggregate classification (germline): Uncertain significance. Review status: criteria provided, multiple submitters, no conflicts (2 of 4 stars). 2 submissions from 2 submitters: Uncertain significance (2). Last evaluated 2024-08-15.

gnomAD v4.1: 1 of 1,490,518 alleles (0.000067%); highest among the groups gnomAD compares: Non-Finnish European, 0.000091%; no homozygotes.

Submissions (2):

Women's Health and Genetics/Laboratory Corporation of America, LabCorp
Classification: Uncertain significance. Last evaluated: 2024-08-15. Review status: criteria provided, single submitter. Criteria: LabCorp Variant Classification Summary - May 2015. Collection method: clinical testing. Allele origin: germline.
Comment: Variant summary: COL11A1 c.4136C>T (p.Ala1379Val) results in a non-conservative amino acid change in the encoded protein sequence. Three of five in-silico tools predict a damaging effect of the variant on protein function. The variant was absent in 233192 control chromosomes (gnomAD). The available data on variant occurrences in the general population are insufficient to allow any conclusion about variant significance. To our knowledge, no occurrence of c.4136C>T in individuals affected with Stickler Syndrome and no experimental evidence demonstrating its impact on protein function have been reported. ClinVar contains an entry for this variant (Variation ID: 1312130). Based on the evidence outlined above, the variant was classified as uncertain significance.

GeneDx
Classification: Uncertain significance. Last evaluated: 2019-09-12. Review status: criteria provided, single submitter. Criteria: GeneDx Variant Classification Process June 2021. Collection method: clinical testing. Allele origin: germline. Affected: yes.
Comment: Not observed in large population cohorts (Lek et al., 2016); In silico analysis, which includes protein predictors and evolutionary conservation, supports a deleterious effect; Has not been previously published as pathogenic or benign to our knowledge